The following is an entry in ClinVar:

ClinVar aggregate classification (germline): Uncertain significance. Review status: criteria provided, single submitter (1 of 4 stars). 2 submissions from 2 submitters: Uncertain significance (1). 1 of the submissions does not count toward it. Last evaluated 2022-09-08.

Conditions:
Achondrogenesis, type IB (ACG1B). Also called: Achondrogenesis Type 1B. Identifiers: Orphanet 932, Orphanet 93298, MedGen C0265274, MONDO:0010966, OMIM 600972.
Atelosteogenesis type II (AO2). Also called: NEONATAL OSSEOUS DYSPLASIA I; Neonatal osseous dysplasia 1; SLC26A2-Related Atelosteogenesis. Identifiers: Orphanet 56304, MedGen C1850554, MONDO:0009727, OMIM 256050.
Diastrophic dysplasia (DTD). Also called: Diastrophic dwarfism. Identifiers: Orphanet 628, MedGen C0220726, MONDO:0009107, OMIM 222600.
Multiple epiphyseal dysplasia type 4 (EDM4). Also called: SLC26A2-Related Multiple Epiphyseal Dysplasia; Multiple Epiphyseal Dysplasia, Recessive; MULTIPLE EPIPHYSEAL DYSPLASIA WITH BILAYERED PATELLAE; MULTIPLE EPIPHYSEAL DYSPLASIA WITH CLUBFOOT; MULTIPLE EPIPHYSEAL DYSPLASIA, AUTOSOMAL RECESSIVE. Identifiers: Orphanet 93307, MedGen C1847593, MONDO:0009189, OMIM 226900.

Submissions (2):

Labcorp Genetics (formerly Invitae), Labcorp
Classification: Uncertain significance for Atelosteogenesis type II; Multiple epiphyseal dysplasia type 4; Achondrogenesis, type IB; Diastrophic dysplasia. Last evaluated: 2022-09-08. Review status: criteria provided, single submitter. Criteria: Invitae Variant Classification Sherloc (09022015). Collection method: clinical testing. Allele origin: germline.
Comment: In summary, the available evidence is currently insufficient to determine the role of this variant in disease. Therefore, it has been classified as a Variant of Uncertain Significance. Advanced modeling of protein sequence and biophysical properties (such as structural, functional, and spatial information, amino acid conservation, physicochemical variation, residue mobility, and thermodynamic stability) performed at Invitae indicates that this missense variant is not expected to disrupt SLC26A2 protein function. ClinVar contains an entry for this variant (Variation ID: 1407238). This variant has not been reported in the literature in individuals affected with SLC26A2-related conditions. This variant is not present in population databases (gnomAD no frequency). This sequence change replaces serine, which is neutral and polar, with leucine, which is neutral and non-polar, at codon 285 of the SLC26A2 protein (p.Ser285Leu).

Natera, Inc.
Classification: Uncertain significance for Achondrogenesis type IB. Last evaluated: 2025-04-07. Review status: no assertion criteria provided. Collection method: clinical testing. Allele origin: germline. Not counted in ClinVar's aggregate classification.

NM_000112.4(SLC26A2):c.854C>T (p.Ser285Leu)

Gene: SLC26A2 (solute carrier family 26 member 2; plus strand). Cytogenetic location: 5q32.
Variant type: single nucleotide variant.
Coding change: c.854C>T on transcript NM_000112.4 (MANE Select); coding-DNA position 854, C replaced by T.
Protein change: p.Ser285Leu; replaces serine 285 with leucine.
Molecular consequence: missense variant.
Genome position (GRCh38, 1-based): chr5:149,980,447, C>T. VCF-style: chr5-149980447-C-T. GRCh37 (hg19) VCF-style: chr5-149360010-C-T.
Other names: c.854C>T (NM_000112.3); short protein forms S285L.
Identifiers: ClinVar variation 1407238 (VCV001407238.9), dbSNP rs140041300, ClinGen allele CA361706428.